The following is an entry in ClinVar:

NM_005101.4(ISG15):c.313G>A (p.Ala105Thr)

Gene: ISG15 (ISG15 ubiquitin like modifier; plus strand). Cytogenetic location: 1p36.33.
Variant type: single nucleotide variant.
Coding change: c.313G>A on transcript NM_005101.4 (MANE Select); coding-DNA position 313, G replaced by A.
Protein change: p.Ala105Thr; replaces alanine 105 with threonine.
Molecular consequence: missense variant.
Genome position (GRCh38, 1-based): chr1:1,014,293, G>A. VCF-style: chr1-1014293-G-A. GRCh37 (hg19) VCF-style: chr1-949673-G-A.
Other names: short protein forms A105T.
Identifiers: ClinVar variation 1047697 (VCV001047697.8), dbSNP rs1644250754, ClinGen allele CA337804984.
Genomic context (GRCh38, chr1:1,014,293, plus strand): 5'-CTGGTGAGGAATAACAAGGGCCGCAGCAGCACCTACGAGGTACGGCTGACGCAGACCGTG[G>A]CCCACCTGAAGCAGCAAGTGAGCGGGCTGGAGGGTGTGCAGGACGACCTGTTCTGGCTGA-3'
Protein context (NP_005092.1, residues 95-115): TYEVRLTQTV[Ala105Thr]HLKQQVSGLE

ClinVar aggregate classification (germline): Uncertain significance (1 of 4 stars; one submission).

Conditions:
Mendelian susceptibility to mycobacterial diseases due to complete ISG15 deficiency. Also called: Immunodeficiency 38; IMMUNODEFICIENCY 38, MYCOBACTERIOSIS, AUTOSOMAL RECESSIVE; ISG15 DEFICIENCY, AUTOSOMAL RECESSIVE; Immunodeficiency 38 with basal ganglia calcification. Identifiers: Orphanet 319563, MedGen C4015293, MONDO:0014502, OMIM 616126.

gnomAD v4.1: 5 of 1,613,666 alleles (0.00031%); highest among the groups gnomAD compares: Non-Finnish European, 0.00042%; no homozygotes.

Submission:

Labcorp Genetics (formerly Invitae), Labcorp
Classification: Uncertain significance for Mendelian susceptibility to mycobacterial diseases due to complete ISG15 deficiency. Last evaluated: 2020-02-27. Review status: criteria provided, single submitter. Criteria: Invitae Variant Classification Sherloc (09022015). Collection method: clinical testing. Allele origin: germline.
Comment: In summary, the available evidence is currently insufficient to determine the role of this variant in disease. Therefore, it has been classified as a Variant of Uncertain Significance. Algorithms developed to predict the effect of missense changes on protein structure and function are either unavailable or do not agree on the potential impact of this missense change (SIFT: "Tolerated"; PolyPhen-2: "Possibly Damaging"; Align-GVGD: "Class C0"). This variant has not been reported in the literature in individuals with ISG15-related conditions. This variant is not present in population databases (ExAC no frequency). This sequence change replaces alanine with threonine at codon 105 of the ISG15 protein (p.Ala105Thr). The alanine residue is moderately conserved and there is a small physicochemical difference between alanine and threonine.